The following is an entry in ClinVar:

ClinVar aggregate classification (germline): Uncertain significance (1 of 4 stars; one submission).

gnomAD v4.1: 1 of 1,614,146 alleles (0.000062%); highest among the groups gnomAD compares: Non-Finnish European, 0.000085%; no homozygotes.

Submission:

GeneDx
Classification: Uncertain significance. Last evaluated: 2023-05-21. Review status: criteria provided, single submitter. Criteria: GeneDx Variant Classification Process June 2021. Collection method: clinical testing. Allele origin: germline. Affected: yes.
Comment: Not observed at significant frequency in large population cohorts (gnomAD); In silico analysis supports that this missense variant does not alter protein structure/function; Has not been previously published as pathogenic or benign to our knowledge

NM_001080.3(ALDH5A1):c.631A>C (p.Ile211Leu)

Gene: ALDH5A1 (aldehyde dehydrogenase 5 family member A1; plus strand). Cytogenetic location: 6p22.3.
Variant type: single nucleotide variant.
Coding change: c.631A>C on transcript NM_001080.3 (MANE Select); coding-DNA position 631, A replaced by C.
Protein change: p.Ile211Leu; replaces isoleucine 211 with leucine.
Molecular consequence: missense variant.
Genome position (GRCh38, 1-based): chr6:24,504,890, A>C. VCF-style: chr6-24504890-A-C. GRCh37 (hg19) VCF-style: chr6-24505118-A-C.
Other names: c.631A>C, p.Ile211Leu (NM_001368954.1, NM_170740.1); short protein forms I211L.
Identifiers: ClinVar variation 3343814 (VCV003343814.1).